The following is an entry in ClinVar:

ClinVar aggregate classification (germline): Conflicting classifications of pathogenicity. Review status: criteria provided, conflicting classifications (1 of 4 stars). 3 submissions from 3 submitters: Uncertain significance (1); Likely benign (1). 1 of the submissions does not count toward it. Last evaluated 2019-12-31.

Conditions:
Bruck syndrome 1 (BRKS1). Also called: ARTHROGRYPOSIS-LIKE DISORDER. Identifiers: Orphanet 1149, Orphanet 2771, MedGen C1850168, MONDO:0009806, OMIM 259450.
FKBP10-related disorder. Also called: FKBP10-related condition.

Submissions (3):

Labcorp Genetics (formerly Invitae), Labcorp
Classification: Likely benign. Last evaluated: 2019-12-31. Review status: criteria provided, single submitter. Criteria: Invitae Variant Classification Sherloc (09022015). Collection method: clinical testing. Allele origin: germline.

Baylor Genetics
Classification: Uncertain significance for Bruck syndrome 1. Last evaluated: 2019-10-31. Review status: criteria provided, single submitter. Criteria: ACMG Guidelines, 2015. Collection method: clinical testing. Allele origin: unknown. Affected: yes.
Comment: This variant was determined to be of uncertain significance according to ACMG Guidelines, 2015 [PMID:25741868].

PreventionGenetics, part of Exact Sciences
Classification: Likely benign for FKBP10-related condition. Last evaluated: 2020-02-12. Review status: no assertion criteria provided. Collection method: clinical testing. Allele origin: germline. Not counted in ClinVar's aggregate classification.
Comment: This variant is classified as likely benign based on ACMG/AMP sequence variant interpretation guidelines (Richards et al. 2015 PMID: 25741868, with internal and published modifications).

NM_021939.4(FKBP10):c.1256+8C>G

Gene: FKBP10 (FKBP prolyl isomerase 10; plus strand). Cytogenetic location: 17q21.2.
Variant type: single nucleotide variant.
Coding change: c.1256+8C>G on transcript NM_021939.4 (MANE Select); 8 bases into the intron after coding-DNA position 1256, C replaced by G.
Molecular consequence: intron variant.
Genome position (GRCh38, 1-based): chr17:41,820,469, C>G. VCF-style: chr17-41820469-C-G. GRCh37 (hg19) VCF-style: chr17-39976721-C-G.
Identifiers: ClinVar variation 764420 (VCV000764420.7), dbSNP rs1206061120, ClinGen allele CA915950011.